The following is an entry in ClinVar:

ClinVar aggregate classification (germline): Likely pathogenic (1 of 4 stars; one submission).

Conditions:
NOTCH2-related disorder. Also called: NOTCH2-related condition.

Submission:

PreventionGenetics, part of Exact Sciences
Classification: Likely pathogenic for NOTCH2-related condition. Last evaluated: 2026-03-26. Review status: criteria provided, single submitter. Criteria: ACMG Guidelines, 2015. Collection method: clinical testing. Allele origin: germline.
Comment: The NOTCH2 c.4507dupT variant is predicted to result in a frameshift and premature protein termination (p.Cys1503Leufs*4). To our knowledge, this variant has not been reported in the literature or in a large population database (gnomAD), indicating this variant is rare. Frameshift variants in NOTCH2 are expected to be pathogenic. This variant is interpreted as likely pathogenic.

NM_024408.4(NOTCH2):c.4507dup (p.Cys1503fs)

Gene: NOTCH2 (notch receptor 2; minus strand). Cytogenetic location: 1p12.
Variant type: Duplication.
Coding change: c.4507dup on transcript NM_024408.4 (MANE Select); coding-DNA position 4507, one base duplicated (T; older notation c.4507dupT).
Protein change: p.Cys1503fs; shifts the reading frame from cysteine 1503.
Molecular consequence: frameshift variant.
Genome position (GRCh38, 1-based): chr1:119,925,309, A duplicated on the plus strand (T on the coding strand, the reverse complement: NOTCH2 is on the minus strand). VCF-style (leftmost placement, unchanged base first): chr1-119925308-C-CA. GRCh37 (hg19) VCF-style: chr1-120467931-C-CA.
Other names: short protein forms C1503fs.
Identifiers: ClinVar variation 4991250 (VCV004991250.1).